The following is an entry in ClinVar:

NM_004519.4(KCNQ3):c.*6340G>A

Gene: KCNQ3 (potassium voltage-gated channel subfamily Q member 3; minus strand). Cytogenetic location: 8q24.22.
Variant type: single nucleotide variant.
Coding change: c.*6340G>A on transcript NM_004519.4 (MANE Select); 6340 bases downstream of the stop codon, G replaced by A.
Molecular consequence: 3 prime UTR variant.
Genome position (GRCh38, 1-based): chr8:132,122,922, C>T on the plus strand (G>A on the coding strand, the complement: KCNQ3 is on the minus strand). VCF-style: chr8-132122922-C-T. GRCh37 (hg19) VCF-style: chr8-133135169-C-T.
Other names: c.*6340G>A (NM_001204824.2).
Identifiers: ClinVar variation 361776 (VCV000361776.7), dbSNP rs2469629, ClinGen allele CA10630129.

ClinVar aggregate classification (germline): Benign. Review status: criteria provided, multiple submitters, no conflicts (2 of 4 stars). 2 submissions from 2 submitters: Benign (2). Last evaluated 2018-01-13.

Conditions:
Seizures, benign familial neonatal, 2. Also called: CONVULSIONS, BENIGN FAMILIAL NEONATAL, 2; KCNQ3-Related Self-Limited Familial Neonatal Epilepsy (SLFNE); Benign Neonatal Epilepsy 2; KCNQ3-Related Benign Familial Neonatal Epilepsy; Seizures, benign neonatal, 2. Identifiers: Orphanet 1949, MedGen C1852581, MONDO:0007366, OMIM 121201.

Allele frequency attached by ClinVar (database versions not stated): TOPMed 0.20175; gnomAD 0.20742 and 0.21022; 1000 Genomes Project 0.13918; gnomAD exomes 0.40000; 1000 Genomes Project 30x 0.14022.
gnomAD v4.1: 31,906 of 152,164 alleles (21%); highest among the groups gnomAD compares: Middle Eastern, 31%; 3,811 homozygotes.

Submissions (2):

Illumina Laboratory Services, Illumina
Classification: Benign for Seizures, benign familial neonatal, 2. Last evaluated: 2018-01-13. Review status: criteria provided, single submitter. Criteria: ICSL Variant Classification Criteria 13 December 2019. Collection method: clinical testing. Allele origin: germline.
Comment: This variant was observed in the ICSL laboratory as part of a predisposition screen in an ostensibly healthy population. It had not been previously curated by ICSL or reported in the Human Gene Mutation Database (HGMD: prior to June 1st, 2018), and was therefore a candidate for classification through an automated scoring system. Utilizing variant allele frequency, disease prevalence and penetrance estimates, and inheritance mode, an automated score was calculated to assess if this variant is too frequent to cause the disease. Based on the score and internal cut-off values, a variant classified as benign is not then subjected to further curation. The score for this variant resulted in a classification of benign for this disease.

Breakthrough Genomics
Classification: Benign. Review status: criteria provided, single submitter. Criteria: ACMG Guidelines, 2015. Collection method: not provided. Allele origin: germline. Inheritance: Autosomal dominant inheritance. Affected: yes.